The following is an entry in ClinVar:

NM_206933.4(USH2A):c.4618G>A (p.Asp1540Asn)

Gene: USH2A (usherin; minus strand). Cytogenetic location: 1q41.
Variant type: single nucleotide variant.
Coding change: c.4618G>A on transcript NM_206933.4 (MANE Select); coding-DNA position 4618, G replaced by A.
Protein change: p.Asp1540Asn; replaces aspartic acid 1540 with asparagine.
Molecular consequence: missense variant.
Genome position (GRCh38, 1-based): chr1:216,175,261, C>T on the plus strand (G>A on the coding strand, the complement: USH2A is on the minus strand). VCF-style: chr1-216175261-C-T. GRCh37 (hg19) VCF-style: chr1-216348603-C-T.
Other names: c.4618G>A, p.Asp1540Asn (NM_007123.6); short protein forms D1540N.
Identifiers: ClinVar variation 438022 (VCV000438022.21), dbSNP rs752238803, ClinGen allele CA1395683.

ClinVar aggregate classification (germline): Uncertain significance. Review status: criteria provided, multiple submitters, no conflicts (2 of 4 stars). 9 submissions from 8 submitters: Uncertain significance (6). 3 of the submissions do not count toward it. Last evaluated 2026-07-08.

Conditions:
USH2A-related disorder. Also called: USH2A-related condition; USH2A-related disorders. Identifiers: MedGen CN239332.
Usher syndrome type 2A. Also called: USHER SYNDROME, TYPE IIA; RETINAL DISEASE IN USHER SYNDROME TYPE IIA, MODIFIER OF. Identifiers: Orphanet 231178, Orphanet 886, MedGen C1848634, MONDO:0010169, OMIM 276901.
Retinitis pigmentosa 39 (RP39). Identifiers: Orphanet 791, MedGen C3151138, MONDO:0013436, OMIM 613809.
Retinitis pigmentosa (RP). Identifiers: Orphanet 791, MedGen C0035334, MeSH D012174, MONDO:0019200, OMIM 268000. Inheritance: Autosomal dominant, autosomal recessive and X linked inheritance.

Allele frequency attached by ClinVar (database versions not stated): gnomAD exomes below 0.00001; ExAC 0.00001; TOPMed 0.00005; gnomAD 0.00008 and 0.00009.
gnomAD v4.1: 92 of 1,613,522 alleles (0.0057%); highest among the groups gnomAD compares: Non-Finnish European, 0.0071%; no homozygotes.

Submissions (9):

PreventionGenetics, part of Exact Sciences
Classification: Uncertain significance for USH2A-related condition. Last evaluated: 2026-07-08. Review status: criteria provided, single submitter. Criteria: ACMG Guidelines, 2015. Collection method: clinical testing. Allele origin: germline.
Comment: The USH2A c.4618G>A variant is predicted to result in the amino acid substitution p.Asp1540Asn. This variant has been reported in individuals with retinitis pigmentosa; however, these patients already carried two known pathogenic variants in USH2A (Zhao et al. 2015. PubMed ID: 25472526; supplementary data, Carss et al. 2017. PubMed ID: 28041643). This variant was also described in cis with the c.2276G>T variant in another individual with suspected USH2A-associated disease; an additional causative variant was not identified on the second allele (Reurink et al. 2023. PubMed ID: 36785559). In a large cohort study of individuals with retinal disease, this variant was described as a variant of uncertain significance (supplementary data, Lin et al. 2024. PubMed ID: 38219857). This variant is reported in 0.0023% of alleles in individuals of European (Non-Finnish) descent in gnomAD. At this time, the clinical significance of this variant is uncertain due to the absence of conclusive functional and genetic evidence.

CeGaT Center for Human Genetics Tuebingen
Classification: Uncertain significance. Last evaluated: 2025-09-01. Review status: criteria provided, single submitter. Criteria: CeGaT Center For Human Genetics Tuebingen Variant Classification Criteria Version 2. Collection method: clinical testing. Allele origin: germline. Affected: yes. Observed: 1 variant allele.
Comment: USH2A: PM2, BP2

Labcorp Genetics (formerly Invitae), Labcorp
Classification: Uncertain significance. Last evaluated: 2024-10-29. Review status: criteria provided, single submitter. Criteria: Invitae Variant Classification Sherloc (09022015). Collection method: clinical testing. Allele origin: germline.
Comment: This sequence change replaces aspartic acid, which is acidic and polar, with asparagine, which is neutral and polar, at codon 1540 of the USH2A protein (p.Asp1540Asn). This variant is present in population databases (rs752238803, gnomAD 0.003%). This missense change has been observed in individual(s) with clinical features of retinitis pigmentosa (PMID: 25472526, 28041643, 36785559). ClinVar contains an entry for this variant (Variation ID: 438022). Invitae Evidence Modeling of protein sequence and biophysical properties (such as structural, functional, and spatial information, amino acid conservation, physicochemical variation, residue mobility, and thermodynamic stability) indicates that this missense variant is not expected to disrupt USH2A protein function with a negative predictive value of 95%. In summary, the available evidence is currently insufficient to determine the role of this variant in disease. Therefore, it has been classified as a Variant of Uncertain Significance.

Blueprint Genetics
Classification: Uncertain significance. Last evaluated: 2024-05-17. Review status: criteria provided, single submitter. Criteria: ACMG Guidelines, 2015. Collection method: clinical testing. Allele origin: germline.

Genome-Nilou Lab
Classification: Uncertain significance for Retinitis pigmentosa 39. Last evaluated: 2023-11-04. Review status: criteria provided, single submitter. Criteria: ACMG Guidelines, 2015. Collection method: clinical testing. Allele origin: germline. Affected: no.

Genome-Nilou Lab
Classification: Uncertain significance for Usher syndrome type 2A. Last evaluated: 2023-11-04. Review status: criteria provided, single submitter. Criteria: ACMG Guidelines, 2015. Collection method: clinical testing. Allele origin: germline. Affected: no.

Natera, Inc.
Classification: Uncertain significance for Usher syndrome type 2A. Last evaluated: 2020-09-16. Review status: no assertion criteria provided. Collection method: clinical testing. Allele origin: germline. Not counted in ClinVar's aggregate classification.

Counsyl
Classification: Uncertain significance for Usher syndrome type 2A; Retinitis pigmentosa 39. Last evaluated: 2017-03-28. Review status: no assertion criteria provided. Collection method: clinical testing. Allele origin: unknown. Not counted in ClinVar's aggregate classification.

NIHR Bioresource Rare Diseases, University of Cambridge
Classification: Uncertain significance for Retinitis pigmentosa. Last evaluated: 2015-01-01. Review status: no assertion criteria provided. Collection method: research. Allele origin: unknown. Affected: yes. Observed: 1 variant allele. Not counted in ClinVar's aggregate classification.

Literature cited by the submitters: PubMed 25472526 (cited by 3 submitters); PubMed 28041643 (cited by Labcorp Genetics (formerly Invitae), Labcorp and NIHR Bioresource Rare Diseases, University of Cambridge); PubMed 36785559 (cited by Labcorp Genetics (formerly Invitae), Labcorp).